The following is an entry in ClinVar:

ClinVar aggregate classification (germline): Conflicting classifications of pathogenicity. Review status: criteria provided, conflicting classifications (1 of 4 stars). 2 submissions from 2 submitters: Uncertain significance (1); Benign (1). Last evaluated 2025-09-08.

Conditions:
Arrhythmogenic right ventricular dysplasia 13. Also called: ARRHYTHMOGENIC RIGHT VENTRICULAR CARDIOMYOPATHY 13; Arrhythmogenic right ventricular dysplasia, familial, 13. Identifiers: MedGen C3810138, MONDO:0000908, OMIM 615616.

Allele frequency attached by ClinVar (database versions not stated): gnomAD 0.00001 and 0.00008; TOPMed 0.00001; gnomAD exomes 0.00019 and 0.00040; ExAC 0.00042; 1000 Genomes Project 30x 0.00078; 1000 Genomes Project 0.00100.
gnomAD v4.1: 291 of 1,612,058 alleles (0.018%); highest among the groups gnomAD compares: South Asian, 0.31%; 5 homozygotes.

Submissions (2):

Labcorp Genetics (formerly Invitae), Labcorp
Classification: Benign for Arrhythmogenic right ventricular dysplasia 13. Last evaluated: 2025-09-08. Review status: criteria provided, single submitter. Criteria: Invitae Variant Classification Sherloc (09022015). Collection method: clinical testing. Allele origin: germline.

Ambry Genetics
Classification: Uncertain significance. Last evaluated: 2025-02-10. Review status: criteria provided, single submitter. Criteria: Ambry Variant Classification Scheme 2023. Collection method: clinical testing. Allele origin: germline.
Comment: The p.D440N variant (also known as c.1318G>A), located in coding exon 9 of the CTNNA3 gene, results from a G to A substitution at nucleotide position 1318. The aspartic acid at codon 440 is replaced by asparagine, an amino acid with highly similar properties. This amino acid position is conserved. In addition, this alteration is predicted to be tolerated by in silico analysis. Since supporting evidence is limited at this time, the clinical significance of this alteration remains unclear.

NM_013266.4(CTNNA3):c.1318G>A (p.Asp440Asn)

Gene: CTNNA3 (catenin alpha 3; minus strand). Cytogenetic location: 10q21.3.
Variant type: single nucleotide variant.
Coding change: c.1318G>A on transcript NM_013266.4 (MANE Select); coding-DNA position 1318, G replaced by A.
Protein change: p.Asp440Asn; replaces aspartic acid 440 with asparagine.
Molecular consequence: missense variant.
Genome position (GRCh38, 1-based): chr10:66,621,748, C>T on the plus strand (G>A on the coding strand, the complement: CTNNA3 is on the minus strand). VCF-style: chr10-66621748-C-T. GRCh37 (hg19) VCF-style: chr10-68381506-C-T.
Other names: c.1318G>A, p.Asp440Asn (NM_001127384.3); short protein forms D440N.
Identifiers: ClinVar variation 1164628 (VCV001164628.12), dbSNP rs545174357, ClinGen allele CA5519991.